The following is an entry in ClinVar:

ClinVar aggregate classification (germline): Uncertain significance (1 of 4 stars; one submission).

Allele frequency attached by ClinVar (database versions not stated): ExAC 0.00001.
gnomAD v4.1: 2 of 1,609,792 alleles (0.00012%); highest among the groups gnomAD compares: Admixed American, 0.0034%; no homozygotes.

Submission:

Labcorp Genetics (formerly Invitae), Labcorp
Classification: Uncertain significance. Last evaluated: 2022-10-27. Review status: criteria provided, single submitter. Criteria: Invitae Variant Classification Sherloc (09022015). Collection method: clinical testing. Allele origin: germline.
Comment: In summary, the available evidence is currently insufficient to determine the role of this variant in disease. Therefore, it has been classified as a Variant of Uncertain Significance. Algorithms developed to predict the effect of missense changes on protein structure and function (SIFT, PolyPhen-2, Align-GVGD) all suggest that this variant is likely to be disruptive. This variant has not been reported in the literature in individuals affected with TNNT3-related conditions. This variant is present in population databases (rs775584381, gnomAD 0.006%). This sequence change replaces glycine, which is neutral and non-polar, with arginine, which is basic and polar, at codon 166 of the TNNT3 protein (p.Gly166Arg).

NM_006757.4(TNNT3):c.496G>C (p.Gly166Arg)

Gene: TNNT3 (troponin T3, fast skeletal type; plus strand). Cytogenetic location: 11p15.5.
Variant type: single nucleotide variant.
Coding change: c.496G>C on transcript NM_006757.4 (MANE Select); coding-DNA position 496, G replaced by C.
Protein change: p.Gly166Arg; replaces glycine 166 with arginine.
Molecular consequence: missense variant.
Genome position (GRCh38, 1-based): chr11:1,934,561, G>C. VCF-style: chr11-1934561-G-C. GRCh37 (hg19) VCF-style: chr11-1955791-G-C.
Other names: c.292G>C, p.Gly98Arg (NM_001367852.1, NM_001367851.1); c.484G>C, p.Gly162Arg (NM_001367849.1); c.439G>C, p.Gly147Arg (NM_001367850.1); c.472G>C, p.Gly158Arg (NM_001042780.3, NM_001042782.3, NM_001297646.2 and 2 more transcripts); c.490G>C, p.Gly164Arg (NM_001042781.3, NM_001367842.1, NM_001367843.1); c.505G>C, p.Gly169Arg (NM_001363561.2, NM_001367847.1); c.529G>C, p.Gly177Arg (NM_001367846.1); c.493G>C, p.Gly165Arg (NM_001367848.1); short protein forms G147R, G158R, G164R, G177R, G98R, G162R, G165R, G166R.
Identifiers: ClinVar variation 2954959 (VCV002954959.3), dbSNP rs775584381, ClinGen allele CA5816517.